The following is an entry in ClinVar:

ClinVar aggregate classification (germline): Uncertain significance (1 of 4 stars; one submission).

Conditions:
Congenital sideroblastic anemia-B-cell immunodeficiency-periodic fever-developmental delay syndrome. Also called: Sideroblastic anemia with B-cell immunodeficiency, periodic fevers, and developmental delay. Identifiers: Orphanet 369861, MedGen C4015172, MONDO:0014487, OMIM 616084.

Allele frequency attached by ClinVar (database versions not stated): gnomAD exomes below 0.00001; gnomAD 0.00001; TOPMed 0.00003.
gnomAD v4.1: 7 of 1,613,924 alleles (0.00043%); highest among the groups gnomAD compares: Non-Finnish European, 0.00059%; no homozygotes.

Submission:

Labcorp Genetics (formerly Invitae), Labcorp
Classification: Uncertain significance for Congenital sideroblastic anemia-B-cell immunodeficiency-periodic fever-developmental delay syndrome. Last evaluated: 2024-11-05. Review status: criteria provided, single submitter. Criteria: Invitae Variant Classification Sherloc (09022015). Collection method: clinical testing. Allele origin: germline.
Comment: This sequence change replaces glutamic acid, which is acidic and polar, with glycine, which is neutral and non-polar, at codon 371 of the TRNT1 protein (p.Glu371Gly). This variant is not present in population databases (gnomAD no frequency). This variant has not been reported in the literature in individuals affected with TRNT1-related conditions. ClinVar contains an entry for this variant (Variation ID: 1437878). Invitae Evidence Modeling of protein sequence and biophysical properties (such as structural, functional, and spatial information, amino acid conservation, physicochemical variation, residue mobility, and thermodynamic stability) indicates that this missense variant is not expected to disrupt TRNT1 protein function with a negative predictive value of 80%. In summary, the available evidence is currently insufficient to determine the role of this variant in disease. Therefore, it has been classified as a Variant of Uncertain Significance.

NM_182916.3(TRNT1):c.1112A>G (p.Glu371Gly)

Gene: TRNT1 (tRNA nucleotidyl transferase 1; plus strand). Cytogenetic location: 3p26.2.
Variant type: single nucleotide variant.
Coding change: c.1112A>G on transcript NM_182916.3 (MANE Select); coding-DNA position 1112, A replaced by G.
Protein change: p.Glu371Gly; replaces glutamic acid 371 with glycine.
Molecular consequence: missense variant. On other transcripts: non-coding transcript variant (8).
Genome position (GRCh38, 1-based): chr3:3,147,961, A>G. VCF-style: chr3-3147961-A-G. GRCh37 (hg19) VCF-style: chr3-3189645-A-G.
Other names: c.1052A>G, p.Glu351Gly (NM_001302946.2); c.1112A>G, p.Glu371Gly (NM_001367321.1, NM_001367322.1, NM_001367323.1); short protein forms E351G, E371G.
Identifiers: ClinVar variation 1437878 (VCV001437878.7), dbSNP rs1179943378, ClinGen allele CA351448754.